The following is an entry in ClinVar:

NM_017654.4(SAMD9):c.1306T>C (p.Trp436Arg)

Gene: SAMD9 (sterile alpha motif domain containing 9; minus strand). Cytogenetic location: 7q21.2.
Variant type: single nucleotide variant.
Coding change: c.1306T>C on transcript NM_017654.4 (MANE Select); coding-DNA position 1306, T replaced by C.
Protein change: p.Trp436Arg; replaces tryptophan 436 with arginine.
Molecular consequence: missense variant.
Genome position (GRCh38, 1-based): chr7:93,104,792, A>G on the plus strand (T>C on the coding strand, the complement: SAMD9 is on the minus strand). VCF-style: chr7-93104792-A-G. GRCh37 (hg19) VCF-style: chr7-92734105-A-G.
Other names: c.1306T>C, p.Trp436Arg (NM_001193307.2); c.1306T>C (NM_017654.3); short protein forms W436R.
Identifiers: ClinVar variation 2823918 (VCV002823918.4), dbSNP rs745449703, ClinGen allele CA4342993.
Genomic context (GRCh38, chr7:93,104,792, plus strand): 5'-TGTAAGCTTTGACCACTCCATTGATGTTAGACTCAGGATCAAACTCCAATACAGCAAACC[A>G]TTTAATTTCCTTCAGGAAATCTAAGTGTTTTGTTTGATCTGGGTGGCATTTATTTGTTAC-3'
Protein context (NP_060124.2, residues 426-446): KHLDFLKEIK[Trp436Arg]FAVLEFDPES

ClinVar aggregate classification (germline): Uncertain significance. Review status: criteria provided, multiple submitters, no conflicts (2 of 4 stars). 2 submissions from 2 submitters: Uncertain significance (2). Last evaluated 2025-12-19.

Conditions:
Inborn genetic diseases. Identifiers: MedGen C0950123, MeSH D030342.

Allele frequency attached by ClinVar (database versions not stated): gnomAD exomes below 0.00001; ExAC 0.00001; gnomAD 0.00001; TOPMed 0.00001.
gnomAD v4.1: 2 of 1,613,578 alleles (0.00012%); highest among the groups gnomAD compares: African/African-American, 0.0027%; no homozygotes.

Submissions (2):

Labcorp Genetics (formerly Invitae), Labcorp
Classification: Uncertain significance. Last evaluated: 2025-12-19. Review status: criteria provided, single submitter. Criteria: Invitae Variant Classification Sherloc (09022015). Collection method: clinical testing. Allele origin: germline.
Comment: This sequence change replaces tryptophan, which is neutral and slightly polar, with arginine, which is basic and polar, at codon 436 of the SAMD9 protein (p.Trp436Arg). This variant is present in population databases (rs745449703, gnomAD 0.007%). This variant has not been reported in the literature in individuals affected with SAMD9-related conditions. ClinVar contains an entry for this variant (Variation ID: 2823918). Invitae Evidence Modeling of protein sequence and biophysical properties (such as structural, functional, and spatial information, amino acid conservation, physicochemical variation, residue mobility, and thermodynamic stability) has been performed for this missense variant. However, the output from this modeling did not meet the statistical confidence thresholds required to predict the impact of this variant on SAMD9 protein function. In summary, the available evidence is currently insufficient to determine the role of this variant in disease. Therefore, it has been classified as a Variant of Uncertain Significance.

Ambry Genetics
Classification: Uncertain significance for Inborn genetic diseases. Last evaluated: 2025-04-05. Review status: criteria provided, single submitter. Criteria: Ambry Variant Classification Scheme 2023. Collection method: clinical testing. Allele origin: germline.
Comment: The p.W436R variant (also known as c.1306T>C), located in coding exon 1 of the SAMD9 gene, results from a T to C substitution at nucleotide position 1306. The tryptophan at codon 436 is replaced by arginine, an amino acid with dissimilar properties. This amino acid position is conserved. In addition, this alteration is predicted to be tolerated by in silico analysis. Based on the available evidence, the clinical significance of this variant remains unclear.